The following is an entry in ClinVar:

ClinVar aggregate classification (germline): Conflicting classifications of pathogenicity. Review status: criteria provided, conflicting classifications (1 of 4 stars). 3 submissions from 3 submitters: Uncertain significance (1); Benign (1); Likely benign (1). Last evaluated 2025-02-28.

Conditions:
Inborn genetic diseases. Identifiers: MedGen C0950123, MeSH D030342.

Allele frequency attached by ClinVar (database versions not stated): ExAC 0.00001; gnomAD exomes 0.00001 and 0.00003; TOPMed 0.00008; gnomAD 0.00013 and 0.00015.
gnomAD v4.1: 36 of 1,614,062 alleles (0.0022%); highest among the groups gnomAD compares: African/African-American, 0.047%; no homozygotes.

Submissions (3):

Ambry Genetics
Classification: Likely benign for Inborn genetic diseases. Last evaluated: 2025-02-28. Review status: criteria provided, single submitter. Criteria: Ambry Variant Classification Scheme 2023. Collection method: clinical testing. Allele origin: germline.

Labcorp Genetics (formerly Invitae), Labcorp
Classification: Benign. Last evaluated: 2022-06-27. Review status: criteria provided, single submitter. Criteria: Invitae Variant Classification Sherloc (09022015). Collection method: clinical testing. Allele origin: germline.

GeneDx
Classification: Uncertain significance. Last evaluated: 2019-08-16. Review status: criteria provided, single submitter. Criteria: GeneDx Variant Classification Process June 2021. Collection method: clinical testing. Allele origin: germline. Affected: yes.
Comment: In silico analysis, which includes protein predictors and evolutionary conservation, supports that this variant does not alter protein structure/function; Has not been previously published as pathogenic or benign to our knowledge

NM_001457.4(FLNB):c.5506G>A (p.Ala1836Thr)

Gene: FLNB (filamin B; plus strand). Cytogenetic location: 3p14.3.
Variant type: single nucleotide variant.
Coding change: c.5506G>A on transcript NM_001457.4 (MANE Select); coding-DNA position 5506, G replaced by A.
Protein change: p.Ala1836Thr; replaces alanine 1836 with threonine.
Molecular consequence: missense variant.
Genome position (GRCh38, 1-based): chr3:58,146,001, G>A. VCF-style: chr3-58146001-G-A. GRCh37 (hg19) VCF-style: chr3-58131728-G-A.
Other names: c.5599G>A, p.Ala1867Thr (NM_001164317.2); c.5473G>A, p.Ala1825Thr (NM_001164318.2); c.5434G>A, p.Ala1812Thr (NM_001164319.2); short protein forms A1812T, A1825T, A1836T, A1867T.
Identifiers: ClinVar variation 1307881 (VCV001307881.10), dbSNP rs199964133, ClinGen allele CA2469083.
Genomic context (GRCh38, chr3:58,146,001, plus strand): 5'-GTGAACTACCCCAACAGTGGAAGTGTTTCTGCATACGGTCCAGGCCTCGTGTATGGAGTG[G>A]CCAACAAAACTGCCACCTTCACCATCGTCACAGAGGATGCAGGAGAAGGTACTGTGTGGT-3'
Protein context (NP_001448.2, residues 1826-1846): AYGPGLVYGV[Ala1836Thr]NKTATFTIVT